The following is an entry in ClinVar:

ClinVar aggregate classification (germline): Uncertain significance. Review status: criteria provided, multiple submitters, no conflicts (2 of 4 stars). 8 submissions from 8 submitters: Uncertain significance (7). 1 of the submissions does not count toward it. Last evaluated 2025-10-27.

Conditions:
Familial adenomatous polyposis 1 (FAP1). Also called: FAMILIAL ADENOMATOUS POLYPOSIS 1, ATTENUATED; POLYPOSIS, ADENOMATOUS INTESTINAL. Identifiers: MedGen C2713442, MONDO:0021056, OMIM 175100. Disease mechanism: loss of function.
Hereditary cancer-predisposing syndrome. Also called: Tumor predisposition; Hereditary Cancer Syndrome; Hereditary neoplastic syndrome; Neoplastic Syndromes, Hereditary. Identifiers: Orphanet 140162, MedGen C0027672, MeSH D009386, MONDO:0015356.
Classic or attenuated familial adenomatous polyposis. Identifiers: MedGen CN372698, MONDO:0021057.

Allele frequency attached by ClinVar (database versions not stated): gnomAD 0.00001; TOPMed 0.00001.
gnomAD v4.1: 13 of 1,613,578 alleles (0.00081%); highest among the groups gnomAD compares: Non-Finnish European, 0.0011%; no homozygotes.

Submissions (8):

Quest Diagnostics Nichols Institute San Juan Capistrano
Classification: Uncertain significance. Last evaluated: 2025-10-27. Review status: criteria provided, single submitter. Criteria: Quest Diagnostics criteria. Collection method: clinical testing. Allele origin: unknown.
Comment: The APC c.8038C>T (p.Pro2680Ser) variant has not been reported in individuals with APC-related conditions in the published literature. This variant has not been reported in large, multi-ethnic general populations (Genome Aggregation Database). Analysis of this variant using bioinformatics tools for the prediction of the effect of amino acid changes on protein structure and function yielded predictions that this variant is damaging. Based on the available information, we are unable to determine the clinical significance of this variant.

Labcorp Genetics (formerly Invitae), Labcorp
Classification: Uncertain significance for Familial adenomatous polyposis 1. Last evaluated: 2025-09-16. Review status: criteria provided, single submitter. Criteria: Invitae Variant Classification Sherloc (09022015). Collection method: clinical testing. Allele origin: germline.
Comment: This sequence change replaces proline, which is neutral and non-polar, with serine, which is neutral and polar, at codon 2680 of the APC protein (p.Pro2680Ser). This variant is not present in population databases (gnomAD no frequency). This variant has not been reported in the literature in individuals affected with APC-related conditions. ClinVar contains an entry for this variant (Variation ID: 411462). Invitae Evidence Modeling of protein sequence and biophysical properties (such as structural, functional, and spatial information, amino acid conservation, physicochemical variation, residue mobility, and thermodynamic stability) indicates that this missense variant is not expected to disrupt APC protein function with a negative predictive value of 95%. In summary, the available evidence is currently insufficient to determine the role of this variant in disease. Therefore, it has been classified as a Variant of Uncertain Significance.

GeneDx
Classification: Uncertain significance. Last evaluated: 2024-12-01. Review status: criteria provided, single submitter. Criteria: GeneDx Variant Classification Process June 2021. Collection method: clinical testing. Allele origin: germline. Affected: yes.
Comment: Not observed at significant frequency in large population cohorts (gnomAD); In silico analysis indicates that this missense variant does not alter protein structure/function; Has not been previously published as pathogenic or benign to our knowledge; This variant is associated with the following publications: (PMID: 18199528)

Ambry Genetics
Classification: Uncertain significance for Hereditary cancer-predisposing syndrome. Last evaluated: 2024-06-16. Review status: criteria provided, single submitter. Criteria: Ambry Variant Classification Scheme 2023. Collection method: clinical testing. Allele origin: germline.
Comment: The p.P2680S variant (also known as c.8038C>T), located in coding exon 15 of the APC gene, results from a C to T substitution at nucleotide position 8038. The proline at codon 2680 is replaced by serine, an amino acid with similar properties. This amino acid position is highly conserved in available vertebrate species. In addition, in silico predictors for this gene do not accurately predict pathogenicity. Since supporting evidence is limited at this time, the clinical significance of this alteration remains unclear.

Color Diagnostics, LLC DBA Color Health
Classification: Uncertain significance for Hereditary cancer-predisposing syndrome. Last evaluated: 2024-03-06. Review status: criteria provided, single submitter. Criteria: ACMG Guidelines, 2015. Collection method: clinical testing. Allele origin: germline.
Comment: This missense variant replaces proline with serine at codon 2680 of the APC protein. Computational prediction suggests that this variant may not impact protein structure and function (internally defined REVEL score threshold <= 0.5, PMID: 27666373). Splice site prediction tools suggest that this variant may not impact RNA splicing. To our knowledge, functional studies have not been reported for this variant. This variant has not been reported in individuals affected with hereditary cancer in the literature. This variant has not been identified in the general population by the Genome Aggregation Database (gnomAD). The available evidence is insufficient to determine the role of this variant in disease conclusively. Therefore, this variant is classified as a Variant of Uncertain Significance.

All of Us Research Program, National Institutes of Health
Classification: Uncertain significance for Classic or attenuated familial adenomatous polyposis. Last evaluated: 2023-08-15. Review status: criteria provided, single submitter. Criteria: ACMG Guidelines, 2015. Collection method: clinical testing. Allele origin: germline. Inheritance: Autosomal dominant inheritance. Observed: 2 variant alleles, 2 heterozygotes.
Comment: This missense variant replaces proline with serine at codon 2680 of the APC protein. Computational prediction suggests that this variant may not impact protein structure and function (internally defined REVEL score threshold <= 0.5, PMID: 27666373). Splice site prediction tools suggest that this variant may not impact RNA splicing. To our knowledge, functional studies have not been reported for this variant. This variant has not been reported in individuals affected with hereditary cancer in the literature. This variant has not been identified in the general population by the Genome Aggregation Database (gnomAD). The available evidence is insufficient to determine the role of this variant in disease conclusively. Therefore, this variant is classified as a Variant of Uncertain Significance.

This study involves interpretation of variants in research participants for the purpose of population health screening. Participant phenotype was not available at the time of variant classification. Additional details can be found in publication PMID: 35346344, PMCID: PMC8962531

Sema4
Classification: Uncertain significance for Hereditary cancer-predisposing syndrome. Last evaluated: 2021-06-23. Review status: criteria provided, single submitter. Criteria: Sema4 Curation Guidelines. Collection method: curation. Allele origin: germline.
Comment: To the best of our knowledge, the APC c.8038C>T (p.P2680S) variant has not been reported in individuals with APC-related disease. It was not observed in the large and broad cohorts of the Genome Aggregation Database (PMID: 32461654). The variant has been reported in ClinVar (Variation ID 411462). In silico tools suggest the impact of the variant on protein function is inconclusive though these predictions have not been confirmed by functional studies. The evidence is insufficient to meet ACMG/AMP criteria for classifying the variant as benign or pathogenic. Thus, the clinical significance of this variant is currently uncertain.

True Health Diagnostics
Classification: Uncertain significance for Hereditary cancer-predisposing syndrome. Last evaluated: 2017-10-16. Review status: no assertion criteria provided. Collection method: clinical testing. Allele origin: germline. Not counted in ClinVar's aggregate classification.

NM_000038.6(APC):c.8038C>T (p.Pro2680Ser)

Gene: APC (APC regulator of Wnt signaling pathway; plus strand). Cytogenetic location: 5q22.2.
Variant type: single nucleotide variant.
Coding change: c.8038C>T on transcript NM_000038.6 (MANE Select); coding-DNA position 8038, C replaced by T.
Protein change: p.Pro2680Ser; replaces proline 2680 with serine.
Molecular consequence: missense variant.
Genome position (GRCh38, 1-based): chr5:112,843,632, C>T. VCF-style: chr5-112843632-C-T. GRCh37 (hg19) VCF-style: chr5-112179329-C-T.
Other names: CCDS4107.1:c.8038C>T; c.8038C>T, p.Pro2680Ser (NM_001127510.3, NM_001354895.2); c.7984C>T, p.Pro2662Ser (NM_001127511.3); c.8092C>T, p.Pro2698Ser (NM_001354896.2); c.8068C>T, p.Pro2690Ser (NM_001354897.2); c.7963C>T, p.Pro2655Ser (NM_001354898.2); c.7954C>T, p.Pro2652Ser (NM_001354899.2); c.7915C>T, p.Pro2639Ser (NM_001354900.2); and 6 more; short protein forms P2680S, P2662S, P2397S, P2589S, P2520S, P2554S, P2579S, P2652S.
Identifiers: ClinVar variation 411462 (VCV000411462.23), dbSNP rs587780553, ClinGen allele CA16038785.
Genomic context (GRCh38, chr5:112,843,632, plus strand): 5'-AGAATTGAGGACTGTCCCATTAACAATCCTAGATCTGGAAGATCTCCCACAGGTAATACT[C>T]CCCCGGTGATTGACAGTGTTTCAGAAAAGGCAAATCCAAACATTAAAGATTCAAAAGATA-3'
Protein context (NP_000029.2, residues 2670-2690): RSGRSPTGNT[Pro2680Ser]PVIDSVSEKA